The following is an entry in ClinVar:

ClinVar aggregate classification (germline): Uncertain significance (1 of 4 stars; one submission).

Conditions:
Infantile GM1 gangliosidosis. Also called: GLB1 deficiency; GM1 gangliosidosis type 1; Gangliosidosis, Generalized GM1, Type 1; GM1-gangliosidosis, type I; Gangliosidosis, generalized GM1, infantile form. Identifiers: Orphanet 354, Orphanet 79255, MedGen C0268271, MONDO:0009260, OMIM 230500.

Allele frequency attached by ClinVar (database versions not stated): gnomAD exomes below 0.00001.
gnomAD v4.1: 1 of 1,614,168 alleles (0.000062%); highest among the groups gnomAD compares: South Asian, 0.0011%; no homozygotes.

Submission:

Neuberg Centre For Genomic Medicine, NCGM
Classification: Uncertain significance for Infantile GM1 gangliosidosis. Review status: criteria provided, single submitter. Criteria: ACMG Guidelines, 2015. Collection method: clinical testing. Allele origin: germline. Affected: yes.
Comment: The missense variant c.1565A>G (p.Asp522Gly) in GLB1 gene has not been reported previously as a pathogenic variant nor as a benign variant, to our knowledge. The p.Asp522Gly variant is novel (not in any individuals) in gnomAD Exomes and 1000 Genomes. The amino acid Asp at position 522 is changed to a Gly changing protein sequence and it might alter its composition and physico-chemical properties. The variant is predicted to be damaging by both SIFT and PolyPhen2. The residue is conserved across species. The amino acid change p.Asp522Gly in GLB1 is predicted as conserved by GERP++ and PhyloP across 100 vertebrates. For these reasons, this variant has been classified as Uncertain Significance.

NM_000404.4(GLB1):c.1421A>G (p.Asp474Gly)

Gene: GLB1 (galactosidase beta 1; minus strand). Cytogenetic location: 3p22.3.
Variant type: single nucleotide variant.
Coding change: c.1421A>G on transcript NM_000404.4 (MANE Select); coding-DNA position 1421, A replaced by G.
Protein change: p.Asp474Gly; replaces aspartic acid 474 with glycine.
Molecular consequence: missense variant.
Genome position (GRCh38, 1-based): chr3:33,016,767, T>C on the plus strand (A>G on the coding strand, the complement: GLB1 is on the minus strand). VCF-style: chr3-33016767-T-C. GRCh37 (hg19) VCF-style: chr3-33058259-T-C.
Other names: c.1331A>G, p.Asp444Gly (NM_001079811.3); c.1028A>G, p.Asp343Gly (NM_001135602.3); c.1565A>G, p.Asp522Gly (NM_001317040.2); c.1421A>G, p.Asp474Gly (NM_001393580.1); short protein forms D343G, D444G, D474G, D522G.
Identifiers: ClinVar variation 1878580 (VCV001878580.1), dbSNP rs2471255671, ClinGen allele CA351989119.